The following is an entry in ClinVar:

ClinVar aggregate classification (germline): Uncertain significance (1 of 4 stars; one submission).

Allele frequency attached by ClinVar (database versions not stated): gnomAD 0.00001; gnomAD exomes 0.00001.

Submission:

Labcorp Genetics (formerly Invitae), Labcorp
Classification: Uncertain significance. Last evaluated: 2025-02-24. Review status: criteria provided, single submitter. Criteria: Invitae Variant Classification Sherloc (09022015). Collection method: clinical testing. Allele origin: germline.
Comment: This sequence change replaces arginine, which is basic and polar, with glutamine, which is neutral and polar, at codon 126 of the MYH14 protein (p.Arg126Gln). The frequency data for this variant in the population databases is considered unreliable, as metrics indicate poor data quality at this position in the gnomAD database. This variant has not been reported in the literature in individuals affected with MYH14-related conditions. ClinVar contains an entry for this variant (Variation ID: 2419302). Invitae Evidence Modeling of protein sequence and biophysical properties (such as structural, functional, and spatial information, amino acid conservation, physicochemical variation, residue mobility, and thermodynamic stability) indicates that this missense variant is expected to disrupt MYH14 protein function with a positive predictive value of 80%. In summary, the available evidence is currently insufficient to determine the role of this variant in disease. Therefore, it has been classified as a Variant of Uncertain Significance.

NM_001145809.2(MYH14):c.377G>A (p.Arg126Gln)

Gene: MYH14 (myosin heavy chain 14; plus strand). Cytogenetic location: 19q13.33.
Variant type: single nucleotide variant.
Coding change: c.377G>A on transcript NM_001145809.2 (MANE Select); coding-DNA position 377, G replaced by A.
Protein change: p.Arg126Gln; replaces arginine 126 with glutamine.
Molecular consequence: missense variant.
Genome position (GRCh38, 1-based): chr19:50,210,742, G>A. VCF-style: chr19-50210742-G-A. GRCh37 (hg19) VCF-style: chr19-50713999-G-A.
Other names: c.377G>A, p.Arg126Gln (NM_001077186.2, NM_024729.4); short protein forms R126Q.
Identifiers: ClinVar variation 2419302 (VCV002419302.6), dbSNP rs1234140602, ClinGen allele CA406946751.